The following is an entry in ClinVar:

NM_000038.6(APC):c.5243A>G (p.Asp1748Gly)

Gene: APC (APC regulator of Wnt signaling pathway; plus strand). Cytogenetic location: 5q22.2.
Variant type: single nucleotide variant.
Coding change: c.5243A>G on transcript NM_000038.6 (MANE Select); coding-DNA position 5243, A replaced by G.
Protein change: p.Asp1748Gly; replaces aspartic acid 1748 with glycine.
Molecular consequence: missense variant.
Genome position (GRCh38, 1-based): chr5:112,840,837, A>G. VCF-style: chr5-112840837-A-G. GRCh37 (hg19) VCF-style: chr5-112176534-A-G.
Other names: c.5243A>G, p.Asp1748Gly (NM_001127510.3, NM_001354895.2); c.5189A>G, p.Asp1730Gly (NM_001127511.3); c.5297A>G, p.Asp1766Gly (NM_001354896.2); c.5273A>G, p.Asp1758Gly (NM_001354897.2); c.5168A>G, p.Asp1723Gly (NM_001354898.2); c.5159A>G, p.Asp1720Gly (NM_001354899.2); c.5120A>G, p.Asp1707Gly (NM_001354900.2); c.5066A>G, p.Asp1689Gly (NM_001354901.2); and 5 more; short protein forms D1647G, D1657G, D1707G, D1720G, D1730G, D1465G, D1622G, D1723G.
Identifiers: ClinVar variation 825585 (VCV000825585.8), dbSNP rs1580657776, ClinGen allele CA16032795.

ClinVar aggregate classification (germline): Uncertain significance. Review status: criteria provided, multiple submitters, no conflicts (2 of 4 stars). 3 submissions from 3 submitters: Uncertain significance (3). Last evaluated 2025-05-04.

Conditions:
Hereditary cancer-predisposing syndrome. Also called: Neoplastic Syndromes, Hereditary; Tumor predisposition; Hereditary neoplastic syndrome; Hereditary Cancer Syndrome. Identifiers: Orphanet 140162, MedGen C0027672, MeSH D009386, MONDO:0015356.
Familial adenomatous polyposis 1 (FAP1). Also called: POLYPOSIS, ADENOMATOUS INTESTINAL; FAMILIAL ADENOMATOUS POLYPOSIS 1, ATTENUATED. Identifiers: MedGen C2713442, MONDO:0021056, OMIM 175100. Disease mechanism: loss of function.

Submissions (3):

Labcorp Genetics (formerly Invitae), Labcorp
Classification: Uncertain significance for Familial adenomatous polyposis 1. Last evaluated: 2025-05-04. Review status: criteria provided, single submitter. Criteria: Invitae Variant Classification Sherloc (09022015). Collection method: clinical testing. Allele origin: germline.
Comment: This sequence change replaces aspartic acid, which is acidic and polar, with glycine, which is neutral and non-polar, at codon 1748 of the APC protein (p.Asp1748Gly). This variant is not present in population databases (gnomAD no frequency). This variant has not been reported in the literature in individuals affected with APC-related conditions. ClinVar contains an entry for this variant (Variation ID: 825585). Invitae Evidence Modeling of protein sequence and biophysical properties (such as structural, functional, and spatial information, amino acid conservation, physicochemical variation, residue mobility, and thermodynamic stability) indicates that this missense variant is not expected to disrupt APC protein function with a negative predictive value of 95%. In summary, the available evidence is currently insufficient to determine the role of this variant in disease. Therefore, it has been classified as a Variant of Uncertain Significance.

Baylor Genetics
Classification: Uncertain significance for Familial adenomatous polyposis 1. Last evaluated: 2023-11-25. Review status: criteria provided, single submitter. Criteria: ACMG Guidelines, 2015. Collection method: clinical testing. Allele origin: unknown.

Ambry Genetics
Classification: Uncertain significance for Hereditary cancer-predisposing syndrome. Last evaluated: 2019-11-11. Review status: criteria provided, single submitter. Criteria: Ambry Variant Classification Scheme 2023. Collection method: clinical testing. Allele origin: germline.